The following is an entry in ClinVar:

NM_001256071.3(RNF213):c.1180A>G (p.Asn394Asp)

Gene: RNF213 (ring finger protein 213; plus strand). Cytogenetic location: 17q25.3.
Variant type: single nucleotide variant.
Coding change: c.1180A>G on transcript NM_001256071.3 (MANE Select); coding-DNA position 1180, A replaced by G.
Protein change: p.Asn394Asp; replaces asparagine 394 with aspartic acid.
Molecular consequence: missense variant.
Genome position (GRCh38, 1-based): chr17:80,290,637, A>G. VCF-style: chr17-80290637-A-G. GRCh37 (hg19) VCF-style: chr17-78264436-A-G.
Other names: c.1180A>G, p.Asn394Asp (NM_020954.4); short protein forms N394D.
Identifiers: ClinVar variation 377204 (VCV000377204.14), dbSNP rs74490096, ClinGen allele CA8819488.

ClinVar aggregate classification (germline): Benign/Likely benign. Review status: criteria provided, multiple submitters, no conflicts (2 of 4 stars). 3 submissions from 3 submitters: Benign (1); Likely benign (2). Last evaluated 2025-10-17.

Allele frequency attached by ClinVar (database versions not stated): gnomAD exomes 0.00044 and 0.00101; ExAC 0.00128; ESP Exome Variant Server 0.00338; gnomAD 0.00369 and 0.00388; TOPMed 0.00442; 1000 Genomes Project 30x 0.00640; 1000 Genomes Project 0.00659.
gnomAD v4.1: 1,236 of 1,614,038 alleles (0.077%); highest among the groups gnomAD compares: African/African-American, 1.4%; 9 homozygotes.

Submissions (3):

Labcorp Genetics (formerly Invitae), Labcorp
Classification: Benign. Last evaluated: 2025-10-17. Review status: criteria provided, single submitter. Criteria: Invitae Variant Classification Sherloc (09022015). Collection method: clinical testing. Allele origin: germline.

Blueprint Genetics
Classification: Likely benign. Last evaluated: 2024-10-24. Review status: criteria provided, single submitter. Criteria: ACMG Guidelines, 2015. Collection method: clinical testing. Allele origin: germline.

Center for Pediatric Genomic Medicine, Children's Mercy Hospital and Clinics
Classification: Likely benign. Last evaluated: 2017-01-10. Review status: criteria provided, single submitter. Criteria: ACMG Guidelines, 2015. Collection method: clinical testing. Allele origin: germline.
ClinVar note: Converted during submission from Likely Benign to Likely benign.